The following is an entry in ClinVar:

ClinVar aggregate classification (germline): Pathogenic. Review status: criteria provided, multiple submitters, no conflicts (2 of 4 stars). 2 submissions from 2 submitters: Pathogenic (2). Last evaluated 2024-11-21.

Conditions:
Multiple sulfatase deficiency (MSD). Also called: Mucosulfatidosis; Multiple Sulfatase Deficiency Disease; Sulfatidosis, Juvenile, Austin Type. Identifiers: Orphanet 585, MedGen C0268263, MONDO:0010088, OMIM 272200.

Submissions (2):

Labcorp Genetics (formerly Invitae), Labcorp
Classification: Pathogenic for Multiple sulfatase deficiency. Last evaluated: 2024-11-21. Review status: criteria provided, single submitter. Criteria: Invitae Variant Classification Sherloc (09022015). Collection method: clinical testing. Allele origin: germline.
Comment: This sequence change creates a premature translational stop signal (p.Ser89*) in the SUMF1 gene. It is expected to result in an absent or disrupted protein product. Loss-of-function variants in SUMF1 are known to be pathogenic (PMID: 12757705, 12757706, 25885655). This variant is not present in population databases (gnomAD no frequency). This variant has not been reported in the literature in individuals affected with SUMF1-related conditions. For these reasons, this variant has been classified as Pathogenic.

Women's Health and Genetics/Laboratory Corporation of America, LabCorp
Classification: Pathogenic for Multiple sulfatase deficiency. Last evaluated: 2024-08-27. Review status: criteria provided, single submitter. Criteria: LabCorp Variant Classification Summary - May 2015. Collection method: clinical testing. Allele origin: germline.
Comment: Variant summary: SUMF1 c.266C>A (p.Ser89X) results in a premature termination codon, predicted to cause a truncation of the encoded protein or absence of the protein due to nonsense mediated decay, which are commonly known mechanisms for disease. The variant was absent in 228440 control chromosomes. To our knowledge, no occurrence of c.266C>A in individuals affected with Multiple Sulfatase Deficiency and no experimental evidence demonstrating its impact on protein function have been reported. No submitters have cited clinical-significance assessments for this variant to ClinVar. Based on the evidence outlined above, the variant was classified as pathogenic.

Literature cited by the submitters: PubMed 12757705 (cited by Labcorp Genetics (formerly Invitae), Labcorp); PubMed 12757706 (cited by Labcorp Genetics (formerly Invitae), Labcorp); PubMed 25885655 (cited by Labcorp Genetics (formerly Invitae), Labcorp).

NM_182760.4(SUMF1):c.266C>A (p.Ser89Ter)

Genes: SUMF1 (sulfatase modifying factor 1; minus strand), LOC129936056 (ATAC-STARR-seq lymphoblastoid silent region 14016; plus strand). Cytogenetic location: 3p26.1.
Variant type: single nucleotide variant.
Coding change: c.266C>A on transcript NM_182760.4 (MANE Select); coding-DNA position 266, C replaced by A.
Protein change: p.Ser89Ter; replaces serine 89 with a stop codon.
Molecular consequence: nonsense.
Genome position (GRCh38, 1-based): chr3:4,466,980, G>T on the plus strand (C>A on the coding strand, the complement: SUMF1 is on the minus strand). VCF-style: chr3-4466980-G-T. GRCh37 (hg19) VCF-style: chr3-4508664-G-T.
Other names: c.266C>A, p.Ser89Ter (NM_001164674.2, NM_001164675.2); short protein forms S89*.
Identifiers: ClinVar variation 3366587 (VCV003366587.3).